The following is an entry in ClinVar:

ClinVar aggregate classification (germline): Likely benign. Review status: criteria provided, single submitter (1 of 4 stars). 2 submissions from 2 submitters: Likely benign (1). 1 of the submissions does not count toward it. Last evaluated 2025-03-17.

Conditions:
ADGRV1-related disorder. Also called: ADGRV1-related disorders; ADGRV1-related condition.

Allele frequency attached by ClinVar (database versions not stated): gnomAD 0.00001; gnomAD exomes 0.00003 and 0.00005; ExAC 0.00005.
gnomAD v4.1: 48 of 1,613,910 alleles (0.003%); highest among the groups gnomAD compares: South Asian, 0.05%; 3 homozygotes.

Submissions (2):

Labcorp Genetics (formerly Invitae), Labcorp
Classification: Likely benign. Last evaluated: 2025-03-17. Review status: criteria provided, single submitter. Criteria: Invitae Variant Classification Sherloc (09022015). Collection method: clinical testing. Allele origin: germline.

PreventionGenetics, part of Exact Sciences
Classification: Likely benign for ADGRV1-related condition. Last evaluated: 2024-05-19. Review status: no assertion criteria provided. Collection method: clinical testing. Allele origin: germline. Not counted in ClinVar's aggregate classification.
Comment: This variant is classified as likely benign based on ACMG/AMP sequence variant interpretation guidelines (Richards et al. 2015 PMID: 25741868, with internal and published modifications).

NM_032119.4(ADGRV1):c.15345A>G (p.Leu5115=)

Gene: ADGRV1 (adhesion G protein-coupled receptor V1; plus strand). Cytogenetic location: 5q14.3.
Variant type: single nucleotide variant.
Coding change: c.15345A>G on transcript NM_032119.4 (MANE Select); coding-DNA position 15345, A replaced by G.
Protein change: p.Leu5115=; no amino-acid change (leucine 5115 retained).
Molecular consequence: synonymous variant. On other transcripts: non-coding transcript variant (1).
Genome position (GRCh38, 1-based): chr5:90,810,605, A>G. VCF-style: chr5-90810605-A-G. GRCh37 (hg19) VCF-style: chr5-90106422-A-G.
Other names: c.15345A>G (NM_032119.3).
Identifiers: ClinVar variation 1587927 (VCV001587927.10), dbSNP rs764096148, ClinGen allele CA3341903.